The following is an entry in ClinVar:

NM_000051.4(ATM):c.315C>G (p.Ile105Met)

Gene: ATM (ATM serine/threonine kinase; plus strand). Cytogenetic location: 11q22.3.
Variant type: single nucleotide variant.
Coding change: c.315C>G on transcript NM_000051.4 (MANE Select); coding-DNA position 315, C replaced by G.
Protein change: p.Ile105Met; replaces isoleucine 105 with methionine.
Molecular consequence: missense variant.
Genome position (GRCh38, 1-based): chr11:108,229,307, C>G. VCF-style: chr11-108229307-C-G. GRCh37 (hg19) VCF-style: chr11-108100034-C-G.
Other names: c.315C>G, p.Ile105Met (NM_001351834.2, NM_001351835.2, NM_001351836.2); short protein forms I105M.
Identifiers: ClinVar variation 3801273 (VCV003801273.1).

ClinVar aggregate classification (germline): Uncertain significance (1 of 4 stars; one submission).

Conditions:
Hereditary cancer-predisposing syndrome. Also called: Neoplastic Syndromes, Hereditary; Hereditary Cancer Syndrome; Tumor predisposition; Hereditary neoplastic syndrome. Identifiers: Orphanet 140162, MedGen C0027672, MeSH D009386, MONDO:0015356.

Submission:

Ambry Genetics
Classification: Uncertain significance for Hereditary cancer-predisposing syndrome. Last evaluated: 2025-01-03. Review status: criteria provided, single submitter. Criteria: Ambry Variant Classification Scheme 2023. Collection method: clinical testing. Allele origin: germline.
Comment: The p.I105M variant (also known as c.315C>G), located in coding exon 3 of the ATM gene, results from a C to G substitution at nucleotide position 315. The isoleucine at codon 105 is replaced by methionine, an amino acid with highly similar properties. This amino acid position is highly conserved in available vertebrate species. In addition, the in silico prediction for this alteration is inconclusive. Based on the available evidence, the clinical significance of this variant remains unclear.